The following is an entry in ClinVar:

ClinVar aggregate classification (germline): Uncertain significance (1 of 4 stars; one submission).

Conditions:
Cardiovascular phenotype. Identifiers: MedGen CN230736.

Submission:

Ambry Genetics
Classification: Uncertain significance for Cardiovascular phenotype. Last evaluated: 2026-07-20. Review status: criteria provided, single submitter. Criteria: Ambry Variant Classification Scheme 2023. Collection method: clinical testing. Allele origin: germline.
Comment: The p.G145W variant (also known as c.433G>T), located in coding exon 4 of the TBX5 gene, results from a G to T substitution at nucleotide position 433. The glycine at codon 145 is replaced by tryptophan, an amino acid with highly dissimilar properties. This amino acid position is highly conserved in available vertebrate species. In addition, this alteration is predicted to be deleterious by in silico analysis. Based on the available evidence, the clinical significance of this variant remains unclear.

NM_181486.4(TBX5):c.433G>T (p.Gly145Trp)

Gene: TBX5 (T-box transcription factor 5; minus strand). Cytogenetic location: 12q24.21.
Variant type: single nucleotide variant.
Coding change: c.433G>T on transcript NM_181486.4 (MANE Select); coding-DNA position 433, G replaced by T.
Protein change: p.Gly145Trp; replaces glycine 145 with tryptophan.
Molecular consequence: missense variant.
Genome position (GRCh38, 1-based): chr12:114,398,650, C>A on the plus strand (G>T on the coding strand, the complement: TBX5 is on the minus strand). VCF-style: chr12-114398650-C-A. GRCh37 (hg19) VCF-style: chr12-114836455-C-A.
Other names: c.433G>T, p.Gly145Trp (NM_000192.3); c.283G>T, p.Gly95Trp (NM_080717.4); short protein forms G145W, G95W.
Identifiers: ClinVar variation 5030560 (VCV005030560.1), dbSNP rs863223774.